The following is an entry in ClinVar:

ClinVar aggregate classification (germline): Uncertain significance. Review status: criteria provided, multiple submitters, no conflicts (2 of 4 stars). 2 submissions from 2 submitters: Uncertain significance (2). Last evaluated 2025-03-27.

Conditions:
Malignant hyperthermia, susceptibility to, 5 (MHS5). Also called: CACNA1S-Related Malignant Hyperthermia Susceptibility. Identifiers: Orphanet 423, MedGen C1866077, MONDO:0011163, OMIM 601887.

Submissions (2):

GeneDx
Classification: Uncertain significance. Last evaluated: 2025-03-27. Review status: criteria provided, single submitter. Criteria: GeneDx Variant Classification Process June 2021. Collection method: clinical testing. Allele origin: germline.
Comment: Not observed at significant frequency in large population cohorts (gnomAD); In silico analysis supports that this missense variant has a deleterious effect on protein structure/function; Has not been previously published as pathogenic or benign to our knowledge

All of Us Research Program, National Institutes of Health
Classification: Uncertain significance for Malignant hyperthermia, susceptibility to, 5. Last evaluated: 2024-03-28. Review status: criteria provided, single submitter. Criteria: ACMG Guidelines, 2015. Collection method: clinical testing. Allele origin: germline. Inheritance: Autosomal dominant inheritance. Observed: 2 variant alleles, 2 heterozygotes.
Comment: This missense variant replaces proline with leucine at codon 1396 of the CACNA1S protein. Computational prediction suggests that this variant may not impact protein structure and function (internally defined REVEL score threshold <= 0.5, PMID: 27666373). To our knowledge, functional studies have not been reported for this variant. This variant has not been reported in individuals affected with CACNA1S-related disorders in the literature. This variant has not been identified in the general population by the Genome Aggregation Database (gnomAD). The available evidence is insufficient to determine the role of this variant in disease conclusively. Therefore, this variant is classified as a Variant of Uncertain Significance.

This study involves interpretation of variants in research participants for the purpose of population health screening. Participant phenotype was not available at the time of variant classification. Additional details can be found in publication PMID: 35346344, PMCID: PMC8962531

NM_000069.3(CACNA1S):c.4187C>T (p.Pro1396Leu)

Gene: CACNA1S (calcium voltage-gated channel subunit alpha1 S; minus strand). Cytogenetic location: 1q32.1.
Variant type: single nucleotide variant.
Coding change: c.4187C>T on transcript NM_000069.3 (MANE Select); coding-DNA position 4187, C replaced by T.
Protein change: p.Pro1396Leu; replaces proline 1396 with leucine.
Molecular consequence: missense variant.
Genome position (GRCh38, 1-based): chr1:201,050,443, G>A on the plus strand (C>T on the coding strand, the complement: CACNA1S is on the minus strand). VCF-style: chr1-201050443-G-A. GRCh37 (hg19) VCF-style: chr1-201019571-G-A.
Other names: c.4187C>T (NM_000069.2); short protein forms P1396L.
Identifiers: ClinVar variation 3071455 (VCV003071455.4), dbSNP rs1660610979, ClinGen allele CA344148296.